The following is an entry in ClinVar:

NM_019098.5(CNGB3):c.1055+1G>C

Gene: CNGB3 (cyclic nucleotide gated channel subunit beta 3; minus strand). Cytogenetic location: 8q21.3.
Variant type: single nucleotide variant.
Coding change: c.1055+1G>C on transcript NM_019098.5 (MANE Select); the canonical splice donor site of the intron after coding-DNA position 1055, G replaced by C.
Molecular consequence: splice donor variant.
Genome position (GRCh38, 1-based): chr8:86,644,621, C>G on the plus strand (G>C on the coding strand, the complement: CNGB3 is on the minus strand). VCF-style: chr8-86644621-C-G. GRCh37 (hg19) VCF-style: chr8-87656849-C-G.
Identifiers: ClinVar variation 813043 (VCV000813043.7), dbSNP rs1823261605, ClinGen allele CA371447491.

ClinVar aggregate classification (germline): Pathogenic/Likely pathogenic. Review status: criteria provided, multiple submitters, no conflicts (2 of 4 stars). 2 submissions from 2 submitters: Pathogenic (1); Likely pathogenic (1). Last evaluated 2021-11-01.

Conditions:
Achromatopsia. Also called: Rod monochromatism. Identifiers: Orphanet 49382, MedGen C0152200, MONDO:0018852, HP:0011516.

Submissions (2):

Labcorp Genetics (formerly Invitae), Labcorp
Classification: Likely pathogenic. Last evaluated: 2021-11-01. Review status: criteria provided, single submitter. Criteria: Invitae Variant Classification Sherloc (09022015). Collection method: clinical testing. Allele origin: germline.
Comment: In summary, the currently available evidence indicates that the variant is pathogenic, but additional data are needed to prove that conclusively. Therefore, this variant has been classified as Likely Pathogenic. Algorithms developed to predict the effect of sequence changes on RNA splicing suggest that this variant may disrupt the consensus splice site. ClinVar contains an entry for this variant (Variation ID: 813043). This variant has not been reported in the literature in individuals affected with CNGB3-related conditions. This variant is not present in population databases (gnomAD no frequency). This sequence change affects a donor splice site in intron 9 of the CNGB3 gene. It is expected to disrupt RNA splicing. Variants that disrupt the donor or acceptor splice site typically lead to a loss of protein function (PMID: 16199547), and loss-of-function variants in CNGB3 are known to be pathogenic (PMID: 28795510).

Molecular Genetics Laboratory, Institute for Ophthalmic Research
Classification: Pathogenic for Achromatopsia. Last evaluated: 2020-01-09. Review status: criteria provided, single submitter. Criteria: ACMG Guidelines, 2015. Collection method: research. Allele origin: germline. Affected: yes.

Literature cited by the submitters: PubMed 16199547 (cited by Labcorp Genetics (formerly Invitae), Labcorp); PubMed 28795510 (cited by Labcorp Genetics (formerly Invitae), Labcorp).